The following is an entry in ClinVar:

ClinVar aggregate classification (germline): Likely pathogenic (1 of 4 stars; one submission).

Conditions:
Autosomal recessive polycystic kidney disease (ARPKD). Also called: AR polycystic kidney disease. Identifiers: Orphanet 731, Orphanet 8378, MedGen C0085548, MeSH D017044, MONDO:0009889.

Submission:

Natera, Inc.
Classification: Likely pathogenic for Autosomal recessive polycystic kidney disease. Last evaluated: 2025-10-10. Review status: criteria provided, single submitter. Criteria: Natera Variant Classification Schema (03/2026). Collection method: clinical testing. Allele origin: germline.
Comment: The c.7431delT variant in PKHD1 is a frameshift variant predicted to shift the reading frame beginning at codon 2477 and leads to a stop codon 24 codons downstream. This variant is expected to result in nonsense mediated decay, truncation, or a dysfunctional protein product. This variant is rare in the general population with a frequency below the threshold expected for the associated phenotype(s). Given the available evidence, this variant is classified as Likely Pathogenic.

NM_138694.4(PKHD1):c.7431del (p.Phe2477fs)

Gene: PKHD1 (PKHD1 ciliary IPT domain containing fibrocystin/polyductin; minus strand). Cytogenetic location: 6p12.2.
Variant type: Deletion.
Coding change: c.7431del on transcript NM_138694.4 (MANE Select); coding-DNA position 7431, one base deleted (T; older notation c.7431delT).
Protein change: p.Phe2477fs; shifts the reading frame from phenylalanine 2477.
Molecular consequence: frameshift variant.
Genome position (GRCh38, 1-based): chr6:51,870,559, A deleted on the plus strand (T on the coding strand, the reverse complement: PKHD1 is on the minus strand); the first of 4 consecutive A bases (chr6:51,870,559-51,870,562); deleting any one gives the same sequence. VCF-style (leftmost placement, unchanged base first): chr6-51870558-CA-C. GRCh37 (hg19) VCF-style: chr6-51735356-CA-C.
Other names: c.7431del, p.Phe2477fs (NM_170724.3); short protein forms F2477fs.
Identifiers: ClinVar variation 4816744 (VCV004816744.1).